The following is an entry in ClinVar:

ClinVar aggregate classification (germline): Likely benign (0 of 4 stars; one submission).

Conditions:
SLC25A11-related disorder. Also called: SLC25A11-related condition.

Allele frequency attached by ClinVar (database versions not stated): ExAC 0.00001; TOPMed 0.00001.
gnomAD v4.1: 8 of 1,614,128 alleles (0.0005%); highest among the groups gnomAD compares: Middle Eastern, 0.016%; no homozygotes.

Submission:

PreventionGenetics, part of Exact Sciences
Classification: Likely benign for SLC25A11-related condition. Last evaluated: 2019-08-07. Review status: no assertion criteria provided. Collection method: clinical testing. Allele origin: germline.
Comment: This variant is classified as likely benign based on ACMG/AMP sequence variant interpretation guidelines (Richards et al. 2015 PMID: 25741868, with internal and published modifications).

NM_003562.5(SLC25A11):c.576C>T (p.Val192=)

Gene: SLC25A11 (solute carrier family 25 member 11; minus strand). Cytogenetic location: 17p13.2.
Variant type: single nucleotide variant.
Coding change: c.576C>T on transcript NM_003562.5 (MANE Select); coding-DNA position 576, C replaced by T.
Protein change: p.Val192=; no amino-acid change (valine 192 retained).
Molecular consequence: synonymous variant.
Genome position (GRCh38, 1-based): chr17:4,938,400, G>A on the plus strand (C>T on the coding strand, the complement: SLC25A11 is on the minus strand). VCF-style: chr17-4938400-G-A. GRCh37 (hg19) VCF-style: chr17-4841695-G-A.
Other names: c.543C>T, p.Val181= (NM_001165417.2); c.423C>T, p.Val141= (NM_001165418.2).
Identifiers: ClinVar variation 3055304 (VCV003055304.2), dbSNP rs768952207, ClinGen allele CA8315261.